The following is an entry in ClinVar:

ClinVar aggregate classification (germline): Uncertain significance (1 of 4 stars; one submission).

Conditions:
Hereditary motor and sensory neuropathy, Okinawa type (HMSNO). Also called: HEREDITARY MOTOR AND SENSORY NEUROPATHY, PROXIMAL TYPE. Identifiers: Orphanet 90117, MedGen C1858338, MONDO:0011468, OMIM 604484.
Hereditary spastic paraplegia 57. Also called: Spastic paraplegia 57, autosomal recessive. Identifiers: Orphanet 431329, MedGen C3714897, MONDO:0014295, OMIM 615658.

Allele frequency attached by ClinVar (database versions not stated): gnomAD exomes below 0.00001; ExAC 0.00001.
gnomAD v4.1: 1 of 1,610,810 alleles (0.000062%); highest among the groups gnomAD compares: Non-Finnish European, 0.000085%; no homozygotes.

Submission:

Labcorp Genetics (formerly Invitae), Labcorp
Classification: Uncertain significance for Hereditary motor and sensory neuropathy, Okinawa type; Hereditary spastic paraplegia 57. Last evaluated: 2022-05-18. Review status: criteria provided, single submitter. Criteria: Invitae Variant Classification Sherloc (09022015). Collection method: clinical testing. Allele origin: germline.
Comment: This variant is present in population databases (rs745478256, gnomAD 0.0009%). This variant has not been reported in the literature in individuals affected with TFG-related conditions. This sequence change replaces glycine, which is neutral and non-polar, with alanine, which is neutral and non-polar, at codon 18 of the TFG protein (p.Gly18Ala). In summary, the available evidence is currently insufficient to determine the role of this variant in disease. Therefore, it has been classified as a Variant of Uncertain Significance. Algorithms developed to predict the effect of missense changes on protein structure and function (SIFT, PolyPhen-2, Align-GVGD) all suggest that this variant is likely to be disruptive.

NM_006070.6(TFG):c.53G>C (p.Gly18Ala)

Gene: TFG (trafficking from ER to golgi regulator; plus strand). Cytogenetic location: 3q12.2.
Variant type: single nucleotide variant.
Coding change: c.53G>C on transcript NM_006070.6 (MANE Select); coding-DNA position 53, G replaced by C.
Protein change: p.Gly18Ala; replaces glycine 18 with alanine.
Molecular consequence: missense variant.
Genome position (GRCh38, 1-based): chr3:100,713,738, G>C. VCF-style: chr3-100713738-G-C. GRCh37 (hg19) VCF-style: chr3-100432582-G-C.
Other names: c.53G>C, p.Gly18Ala (NM_001007565.2, NM_001195478.2, NM_001195479.2); short protein forms G18A.
Identifiers: ClinVar variation 2158429 (VCV002158429.4), dbSNP rs745478256, ClinGen allele CA2516957.